The following is an entry in ClinVar:

NM_020964.3(EPG5):c.6521C>T (p.Pro2174Leu)

Gene: EPG5 (ectopic P-granules 5 autophagy tethering factor; minus strand). Cytogenetic location: 18q12.3.
Variant type: single nucleotide variant.
Coding change: c.6521C>T on transcript NM_020964.3 (MANE Select); coding-DNA position 6521, C replaced by T.
Protein change: p.Pro2174Leu; replaces proline 2174 with leucine.
Molecular consequence: missense variant.
Genome position (GRCh38, 1-based): chr18:45,866,898, G>A on the plus strand (C>T on the coding strand, the complement: EPG5 is on the minus strand). VCF-style: chr18-45866898-G-A. GRCh37 (hg19) VCF-style: chr18-43446863-G-A.
Other names: short protein forms P2174L.
Identifiers: ClinVar variation 1391543 (VCV001391543.9), dbSNP rs775158816, ClinGen allele CA8948248.

ClinVar aggregate classification (germline): Uncertain significance. Review status: criteria provided, multiple submitters, no conflicts (2 of 4 stars). 3 submissions from 3 submitters: Uncertain significance (3). Last evaluated 2026-04-01.

Conditions:
Vici syndrome (VICIS). Identifiers: Orphanet 1493, MedGen C1855772, MONDO:0009452, OMIM 242840.

Allele frequency attached by ClinVar (database versions not stated): gnomAD 0.00001; gnomAD exomes 0.00002 and 0.00004; ExAC 0.00004.

Submissions (3):

CeGaT Center for Human Genetics Tuebingen
Classification: Uncertain significance. Last evaluated: 2026-04-01. Review status: criteria provided, single submitter. Criteria: CeGaT Center For Human Genetics Tuebingen Variant Classification Criteria Version 2. Collection method: clinical testing. Allele origin: germline. Affected: yes. Observed: 1 variant allele.
Comment: EPG5: PM2

Blueprint Genetics
Classification: Uncertain significance. Last evaluated: 2023-04-28. Review status: criteria provided, single submitter. Criteria: ACMG Guidelines, 2015. Collection method: clinical testing. Allele origin: germline.

Labcorp Genetics (formerly Invitae), Labcorp
Classification: Uncertain significance for Vici syndrome. Last evaluated: 2022-08-19. Review status: criteria provided, single submitter. Criteria: Invitae Variant Classification Sherloc (09022015). Collection method: clinical testing. Allele origin: germline.
Comment: This sequence change replaces proline, which is neutral and non-polar, with leucine, which is neutral and non-polar, at codon 2174 of the EPG5 protein (p.Pro2174Leu). This variant is present in population databases (rs775158816, gnomAD 0.02%). This variant has not been reported in the literature in individuals affected with EPG5-related conditions. ClinVar contains an entry for this variant (Variation ID: 1391543). Algorithms developed to predict the effect of missense changes on protein structure and function are either unavailable or do not agree on the potential impact of this missense change (SIFT: "Deleterious"; PolyPhen-2: "Probably Damaging"; Align-GVGD: "Class C0"). In summary, the available evidence is currently insufficient to determine the role of this variant in disease. Therefore, it has been classified as a Variant of Uncertain Significance.